The following is an entry in ClinVar:

ClinVar aggregate classification (germline): Uncertain significance (1 of 4 stars; one submission).

Submission:

Labcorp Genetics (formerly Invitae), Labcorp
Classification: Uncertain significance. Last evaluated: 2026-01-18. Review status: criteria provided, single submitter. Criteria: Invitae Variant Classification Sherloc (09022015). Collection method: clinical testing. Allele origin: germline.
Comment: This sequence change replaces glutamine, which is neutral and polar, with arginine, which is basic and polar, at codon 44 of the LOX protein (p.Gln44Arg). This variant is not present in population databases (gnomAD no frequency). This variant has not been reported in the literature in individuals affected with LOX-related conditions. Invitae Evidence Modeling of protein sequence and biophysical properties (such as structural, functional, and spatial information, amino acid conservation, physicochemical variation, residue mobility, and thermodynamic stability) indicates that this missense variant is not expected to disrupt LOX protein function with a negative predictive value of 95%. In summary, the available evidence is currently insufficient to determine the role of this variant in disease. Therefore, it has been classified as a Variant of Uncertain Significance.

NM_002317.7(LOX):c.131A>G (p.Gln44Arg)

Genes: LOX (lysyl oxidase; minus strand), SRFBP1 (serum response factor binding protein 1; plus strand). Cytogenetic location: 5q23.1.
Variant type: single nucleotide variant.
Coding change: c.131A>G on transcript NM_002317.7 (MANE Select); coding-DNA position 131, A replaced by G.
Protein change: p.Gln44Arg; replaces glutamine 44 with arginine.
Molecular consequence: missense variant.
Genome position (GRCh38, 1-based): chr5:122,077,855, T>C on the plus strand (A>G on the coding strand, the complement: LOX is on the minus strand). VCF-style: chr5-122077855-T-C. GRCh37 (hg19) VCF-style: chr5-121413550-T-C.
Other names: short protein forms Q44R.
Identifiers: ClinVar variation 4769987 (VCV004769987.1).